The following is an entry in ClinVar:

ClinVar aggregate classification (germline): Likely pathogenic (1 of 4 stars; one submission).

Conditions:
Capillary malformation-arteriovenous malformation 2 (CMAVM2). Identifiers: Orphanet 693912, MedGen C4748670, MONDO:0020785, OMIM 618196.

Submission:

Clinical Genomics Laboratory, Washington University in St. Louis
Classification: Likely pathogenic for Capillary malformation-arteriovenous malformation 2. Last evaluated: 2024-01-08. Review status: criteria provided, single submitter. Criteria: ACMG Guidelines, 2015. Collection method: clinical testing. Allele origin: germline. Affected: yes.
Comment: An EPHB4 c.2270_2271dup (p.Asp758Leufs*53) variant was identified at an allelic fraction of 47.5%, a frequency consistent with germline origin. This variant causes a frameshift by duplicating two nucleotides, leading to a premature termination codon, which is predicted to lead to nonsense mediated decay. The EPHB4 c.2270_2271dup (p.Asp758Leufs*53) variant, to our knowledge, has not been reported in the medical literature. It occurs in a highly conserved region of the gene in the kinase domain (Amyere M et al., PMID: 28687708) and is absent from the general population (gnomAD v.4.0.0), indicating it is not a common variant. Based on available information and the ACMG/AMP guidelines for variant interpretation (Richards S et al., PMID: 25741868), this variant is classified as likely pathogenic.

NM_004444.5(EPHB4):c.2270_2271dup (p.Asp758fs)

Gene: EPHB4 (EPH receptor B4; minus strand). Cytogenetic location: 7q22.1.
Variant type: Duplication.
Coding change: c.2270_2271dup on transcript NM_004444.5 (MANE Select); coding-DNA positions 2270 to 2271, 2 bases duplicated (CT; older notation c.2270_2271dupCT).
Protein change: p.Asp758fs; shifts the reading frame from aspartic acid 758.
Molecular consequence: frameshift variant.
Genome position (GRCh38, 1-based): chr7:100,807,428-100,807,429, AG duplicated on the plus strand (CT on the coding strand, the reverse complement: EPHB4 is on the minus strand); duplicating any 2 consecutive bases within chr7:100,807,428-100,807,430 gives the same sequence; the c. name uses the placement nearest the transcript's 3' end. VCF-style (leftmost placement, unchanged base first): chr7-100807427-C-CAG. GRCh37 (hg19) VCF-style: chr7-100405049-C-CAG.
Other names: short protein forms D758fs.
Identifiers: ClinVar variation 3237422 (VCV003237422.1), dbSNP rs2485003454.